The following is an entry in ClinVar:

NM_003737.4(DCHS1):c.4816C>T (p.Pro1606Ser)

Gene: DCHS1 (dachsous cadherin-related 1; minus strand). Cytogenetic location: 11p15.4.
Variant type: single nucleotide variant.
Coding change: c.4816C>T on transcript NM_003737.4 (MANE Select); coding-DNA position 4816, C replaced by T.
Protein change: p.Pro1606Ser; replaces proline 1606 with serine.
Molecular consequence: missense variant.
Genome position (GRCh38, 1-based): chr11:6,629,891, G>A on the plus strand (C>T on the coding strand, the complement: DCHS1 is on the minus strand). VCF-style: chr11-6629891-G-A. GRCh37 (hg19) VCF-style: chr11-6651122-G-A.
Other names: short protein forms P1606S.
Identifiers: ClinVar variation 2964611 (VCV002964611.3), dbSNP rs2493823000, ClinGen allele CA379399204.
Genomic context (GRCh38, chr11:6,629,891, plus strand): 5'-AGCCGTGGTCTGAGGCCACCACTGTCAGTACGTGCTCAGCTCGTTGTTCGCGGTCCAACG[G>A]CCGCACCACGGACAGCGCTCCTAGGTGAGCGGTAAGGCAGGTTGGTGGGGACCCCAACAC-3'
Protein context (NP_003728.1, residues 1596-1616): SSTGALSVVR[Pro1606Ser]LDREQRAEHV

ClinVar aggregate classification (germline): Uncertain significance (1 of 4 stars; one submission).

gnomAD v4.1: 26 of 1,612,594 alleles (0.0016%); highest among the groups gnomAD compares: Non-Finnish European, 0.002%; no homozygotes.

Submission:

Labcorp Genetics (formerly Invitae), Labcorp
Classification: Uncertain significance. Last evaluated: 2023-08-28. Review status: criteria provided, single submitter. Criteria: Invitae Variant Classification Sherloc (09022015). Collection method: clinical testing. Allele origin: germline.
Comment: In summary, the available evidence is currently insufficient to determine the role of this variant in disease. Therefore, it has been classified as a Variant of Uncertain Significance. Algorithms developed to predict the effect of missense changes on protein structure and function output the following: SIFT: "Not Available"; PolyPhen-2: "Benign"; Align-GVGD: "Not Available". The serine amino acid residue is found in multiple mammalian species, which suggests that this missense change does not adversely affect protein function. This variant has not been reported in the literature in individuals affected with DCHS1-related conditions. This variant is not present in population databases (gnomAD no frequency). This sequence change replaces proline, which is neutral and non-polar, with serine, which is neutral and polar, at codon 1606 of the DCHS1 protein (p.Pro1606Ser).